The following is an entry in ClinVar:

NM_001267550.2(TTN):c.6790G>C (p.Gly2264Arg)

Gene: TTN (titin; minus strand). Cytogenetic location: 2q31.2.
Variant type: single nucleotide variant.
Coding change: c.6790G>C on transcript NM_001267550.2 (MANE Select); coding-DNA position 6790, G replaced by C.
Protein change: p.Gly2264Arg; replaces glycine 2264 with arginine.
Molecular consequence: missense variant.
Genome position (GRCh38, 1-based): chr2:178,774,921, C>G on the plus strand (G>C on the coding strand, the complement: TTN is on the minus strand). VCF-style: chr2-178774921-C-G. GRCh37 (hg19) VCF-style: chr2-179639648-C-G.
Other names: c.6790G>C, p.Gly2264Arg (NM_001256850.1, NM_133378.4, NM_133379.5); c.6652G>C, p.Gly2218Arg (NM_003319.4, NM_133432.3, NM_133437.4); short protein forms G2218R, G2264R.
Identifiers: ClinVar variation 4786576 (VCV004786576.1).

ClinVar aggregate classification (germline): Uncertain significance (1 of 4 stars; one submission).

Conditions:
Autosomal recessive limb-girdle muscular dystrophy type 2J (LGMDR10). Also called: Limb-girdle muscular dystrophy, type 2J; MUSCULAR DYSTROPHY, LIMB-GIRDLE, AUTOSOMAL RECESSIVE 10. Identifiers: Orphanet 140922, MedGen C1837342, MONDO:0012127, OMIM 608807.
Dilated cardiomyopathy 1G (CMD1G). Identifiers: Orphanet 154, MedGen C1858763, MONDO:0011400, OMIM 604145.

Submission:

Labcorp Genetics (formerly Invitae), Labcorp
Classification: Uncertain significance for Dilated cardiomyopathy 1G; Autosomal recessive limb-girdle muscular dystrophy type 2J. Last evaluated: 2025-12-31. Review status: criteria provided, single submitter. Criteria: Invitae Variant Classification Sherloc (09022015). Collection method: clinical testing. Allele origin: germline.
Comment: This sequence change affects codon 2264 of the TTN mRNA. It is a 'silent' change, meaning that it does not change the encoded amino acid sequence of the TTN protein. This variant also falls at the last nucleotide of exon 29, which is part of the consensus splice site for this exon. This variant is not present in population databases (gnomAD no frequency). This variant has not been reported in the literature in individuals affected with TTN-related conditions. Experimental studies and prediction algorithms are not available or were not evaluated, and the functional significance of this variant is currently unknown. Variants that disrupt the consensus splice site are a relatively common cause of aberrant splicing (PMID: 17576681, 9536098). Algorithms developed to predict the effect of sequence changes on RNA splicing suggest that this variant may disrupt the consensus splice site. This variant is located in the I band of TTN (PMID: 25589632). Non-truncating variants in this region may be clinically relevant, but have not been definitively shown to cause cardiomyopathy or neuromuscular disease (PMID: 27493940, 32778822). In summary, the available evidence is currently insufficient to determine the role of this variant in disease. Therefore, it has been classified as a Variant of Uncertain Significance.

Literature cited by the submitters: PubMed 17576681; PubMed 9536098; PubMed 25589632; PubMed 27493940; PubMed 32778822.